The following is an entry in ClinVar:

ClinVar aggregate classification (germline): Uncertain significance (1 of 4 stars; one submission).

gnomAD v4.1: 1 of 1,614,000 alleles (0.000062%); highest among the groups gnomAD compares: Non-Finnish European, 0.000085%; no homozygotes.

Submission:

CeGaT Center for Human Genetics Tuebingen
Classification: Uncertain significance. Last evaluated: 2026-05-01. Review status: criteria provided, single submitter. Criteria: CeGaT Center For Human Genetics Tuebingen Variant Classification Criteria Version 2. Collection method: clinical testing. Allele origin: germline. Affected: yes. Observed: 1 variant allele.
Comment: ADAMTS9: PM2, BP4

NM_182920.2(ADAMTS9):c.4869+7T>A

Gene: ADAMTS9 (ADAM metallopeptidase with thrombospondin type 1 motif 9; minus strand). Cytogenetic location: 3p14.1.
Variant type: single nucleotide variant.
Coding change: c.4869+7T>A on transcript NM_182920.2 (MANE Select); 7 bases into the intron after coding-DNA position 4869, T replaced by A.
Molecular consequence: intron variant.
Genome position (GRCh38, 1-based): chr3:64,550,885, A>T on the plus strand (T>A on the coding strand, the complement: ADAMTS9 is on the minus strand). VCF-style: chr3-64550885-A-T. GRCh37 (hg19) VCF-style: chr3-64536561-A-T.
Other names: c.4785+7T>A (NM_001318781.2).
Identifiers: ClinVar variation 4875026 (VCV004875026.2).